The following is an entry in ClinVar:

NM_014319.5(LEMD3):c.2023+1G>A

Gene: LEMD3 (LEM domain containing 3; plus strand). Cytogenetic location: 12q14.3.
Variant type: single nucleotide variant.
Coding change: c.2023+1G>A on transcript NM_014319.5 (MANE Select); the canonical splice donor site of the intron after coding-DNA position 2023, G replaced by A.
Molecular consequence: splice donor variant.
Genome position (GRCh38, 1-based): chr12:65,240,031, G>A. VCF-style: chr12-65240031-G-A. GRCh37 (hg19) VCF-style: chr12-65633811-G-A.
Other names: c.2020+1G>A (NM_001167614.2).
Identifiers: ClinVar variation 1478281 (VCV001478281.6), dbSNP rs2136354712, ClinGen allele CA385672124.

ClinVar aggregate classification (germline): Likely pathogenic (1 of 4 stars; one submission).

Submission:

Labcorp Genetics (formerly Invitae), Labcorp
Classification: Likely pathogenic. Last evaluated: 2021-10-14. Review status: criteria provided, single submitter. Criteria: Invitae Variant Classification Sherloc (09022015). Collection method: clinical testing. Allele origin: germline.
Comment: In summary, the currently available evidence indicates that the variant is pathogenic, but additional data are needed to prove that conclusively. Therefore, this variant has been classified as Likely Pathogenic. Algorithms developed to predict the effect of sequence changes on RNA splicing suggest that this variant may disrupt the consensus splice site. This variant has not been reported in the literature in individuals affected with LEMD3-related conditions. This variant is not present in population databases (ExAC no frequency). This sequence change affects a donor splice site in intron 7 of the LEMD3 gene. It is expected to disrupt RNA splicing. Variants that disrupt the donor or acceptor splice site typically lead to a loss of protein function (PMID: 16199547), and loss-of-function variants in LEMD3 are known to be pathogenic (PMID: 15489854, 19438932).

Literature cited by the submitters: PubMed 16199547; PubMed 15489854; PubMed 19438932.